The following is an entry in ClinVar:

ClinVar aggregate classification (germline): Uncertain significance. Review status: criteria provided, multiple submitters, no conflicts (2 of 4 stars). 2 submissions from 2 submitters: Uncertain significance (2). Last evaluated 2025-08-06.

Conditions:
Hereditary cancer-predisposing syndrome. Also called: Neoplastic Syndromes, Hereditary; Hereditary Cancer Syndrome; Hereditary neoplastic syndrome; Tumor predisposition. Identifiers: Orphanet 140162, MedGen C0027672, MeSH D009386, MONDO:0015356.
Multiple endocrine neoplasia, type 1 (MEN1). Also called: MEN I; WERMER SYNDROME; Endocrine adenomatosis multiple; MEN 1; MEA I. Identifiers: Orphanet 652, MedGen C0025267, MeSH D018761, MONDO:0007540, OMIM 131100.

Submissions (2):

Ambry Genetics
Classification: Uncertain significance for Hereditary cancer-predisposing syndrome. Last evaluated: 2025-08-06. Review status: criteria provided, single submitter. Criteria: Ambry Variant Classification Scheme 2023. Collection method: clinical testing. Allele origin: germline.
Comment: The p.P298S variant (also known as c.892C>T), located in coding exon 5 of the MEN1 gene, results from a C to T substitution at nucleotide position 892. The proline at codon 298 is replaced by serine, an amino acid with similar properties. This amino acid position is highly conserved in available vertebrate species. In addition, the in silico prediction for this alteration is inconclusive. Based on the available evidence, the clinical significance of this variant remains unclear.

Labcorp Genetics (formerly Invitae), Labcorp
Classification: Uncertain significance for Multiple endocrine neoplasia, type 1. Last evaluated: 2025-02-12. Review status: criteria provided, single submitter. Criteria: Invitae Variant Classification Sherloc (09022015). Collection method: clinical testing. Allele origin: germline.
Comment: This sequence change replaces proline, which is neutral and non-polar, with serine, which is neutral and polar, at codon 298 of the MEN1 protein (p.Pro298Ser). This variant is not present in population databases (gnomAD no frequency). This variant has not been reported in the literature in individuals affected with MEN1-related conditions. Invitae Evidence Modeling of protein sequence and biophysical properties (such as structural, functional, and spatial information, amino acid conservation, physicochemical variation, residue mobility, and thermodynamic stability) indicates that this missense variant is expected to disrupt MEN1 protein function with a positive predictive value of 95%. In summary, the available evidence is currently insufficient to determine the role of this variant in disease. Therefore, it has been classified as a Variant of Uncertain Significance.

NM_001370259.2(MEN1):c.892C>T (p.Pro298Ser)

Gene: MEN1 (menin 1; minus strand). Cytogenetic location: 11q13.1.
Variant type: single nucleotide variant.
Coding change: c.892C>T on transcript NM_001370259.2 (MANE Select); coding-DNA position 892, C replaced by T.
Protein change: p.Pro298Ser; replaces proline 298 with serine.
Molecular consequence: missense variant. On other transcripts: non-coding transcript variant (4).
Genome position (GRCh38, 1-based): chr11:64,807,031, G>A on the plus strand (C>T on the coding strand, the complement: MEN1 is on the minus strand). VCF-style: chr11-64807031-G-A. GRCh37 (hg19) VCF-style: chr11-64574503-G-A.
Other names: c.907C>T, p.Pro303Ser (NM_000244.4, NM_001407145.1, NM_001407150.1 and 5 more transcripts); c.892C>T, p.Pro298Ser (NM_001370251.2, NM_001370260.2, NM_001370261.2 and 7 more transcripts); c.787C>T, p.Pro263Ser (NM_001370262.2, NM_001370263.2, NM_001407148.1 and 2 more transcripts); short protein forms P263S, P303S, P298S.
Identifiers: ClinVar variation 3714961 (VCV003714961.3).
Genomic context (GRCh38, chr11:64,807,031, plus strand): 5'-GTTAGGGTCTCCCTTCTGCACCCTCCTTAGATGCCCCCACCTTGTGGTAGAGGGTGAGTG[G>A]GTCTGGCCGGCCAGGGGTGGGCTCCAGCTCCTCTAGATCTGCCAGGTTCCCTAAGGCCAT-3'
Protein context (NP_001357188.2, residues 288-308): ELEPTPGRPD[Pro298Ser]LTLYHKGIAS